The following is an entry in ClinVar:

NM_004370.6(COL12A1):c.1382C>A (p.Ala461Asp)

Gene: COL12A1 (collagen type XII alpha 1 chain; minus strand). Cytogenetic location: 6q13.
Variant type: single nucleotide variant.
Coding change: c.1382C>A on transcript NM_004370.6 (MANE Select); coding-DNA position 1382, C replaced by A.
Protein change: p.Ala461Asp; replaces alanine 461 with aspartic acid.
Molecular consequence: missense variant. On other transcripts: intron variant (2).
Genome position (GRCh38, 1-based): chr6:75,183,559, G>T on the plus strand (C>A on the coding strand, the complement: COL12A1 is on the minus strand). VCF-style: chr6-75183559-G-T. GRCh37 (hg19) VCF-style: chr6-75893275-G-T.
Other names: c.1382C>A, p.Ala461Asp (NM_001424113.1, NM_001424114.1, NM_001424115.1); c.73+19161C>A (NM_001424116.1, NM_080645.3); short protein forms A461D.
Identifiers: ClinVar variation 4792346 (VCV004792346.1).
Genomic context (GRCh38, chr6:75,183,559, plus strand): 5'-AGACTAATCTGGACCCTATTTGGTGAAATTTCAAAACTTTTTACAAGAACTTCCAAAAAG[G>T]CTCTAACTTTAACAAAGTTTGCAATCCCAATGCTATAGGAGCCATCAACCAAAAACACAA-3'
Protein context (NP_004361.3, residues 451-471): IGIANFVKVR[Ala461Asp]FLEVLVKSFE

ClinVar aggregate classification (germline): Uncertain significance (1 of 4 stars; one submission).

Conditions:
Ullrich congenital muscular dystrophy 2 (UCMD2). Identifiers: Orphanet 75840, MedGen C4225314, MONDO:0014654, OMIM 616470.
Bethlem myopathy 2 (BTHLM2). Identifiers: Orphanet 536516, Orphanet 610, MedGen C4225313, MONDO:0034022, OMIM 616471.

Submission:

Labcorp Genetics (formerly Invitae), Labcorp
Classification: Uncertain significance for Bethlem myopathy 2; Ullrich congenital muscular dystrophy 2. Last evaluated: 2025-08-13. Review status: criteria provided, single submitter. Criteria: Invitae Variant Classification Sherloc (09022015). Collection method: clinical testing. Allele origin: germline.
Comment: This sequence change replaces alanine, which is neutral and non-polar, with aspartic acid, which is acidic and polar, at codon 461 of the COL12A1 protein (p.Ala461Asp). This variant is not present in population databases (gnomAD no frequency). This variant has not been reported in the literature in individuals affected with COL12A1-related conditions. Invitae Evidence Modeling of protein sequence and biophysical properties (such as structural, functional, and spatial information, amino acid conservation, physicochemical variation, residue mobility, and thermodynamic stability) has been performed for this missense variant. However, the output from this modeling did not meet the statistical confidence thresholds required to predict the impact of this variant on COL12A1 protein function. In summary, the available evidence is currently insufficient to determine the role of this variant in disease. Therefore, it has been classified as a Variant of Uncertain Significance.